The following is an entry in ClinVar:

NM_004656.4(BAP1):c.2019G>A (p.Glu673=)

Gene: BAP1 (BRCA1 associated deubiquitinase 1; minus strand). Cytogenetic location: 3p21.1.
Variant type: single nucleotide variant.
Coding change: c.2019G>A on transcript NM_004656.4 (MANE Select); coding-DNA position 2019, G replaced by A.
Protein change: p.Glu673=; no amino-acid change (glutamic acid 673 retained).
Molecular consequence: synonymous variant.
Genome position (GRCh38, 1-based): chr3:52,402,639, C>T on the plus strand (G>A on the coding strand, the complement: BAP1 is on the minus strand). VCF-style: chr3-52402639-C-T. GRCh37 (hg19) VCF-style: chr3-52436655-C-T.
Other names: c.1965G>A, p.Glu655= (NM_001410772.1).
Identifiers: ClinVar variation 3379046 (VCV003379046.2).

ClinVar aggregate classification (germline): Benign/Likely benign. Review status: criteria provided, multiple submitters, no conflicts (2 of 4 stars). 2 submissions from 2 submitters: Benign (1); Likely benign (1). Last evaluated 2025-05-17.

Conditions:
BAP1-related tumor predisposition syndrome (TPDS1). Also called: Tumor susceptibility linked to germline BAP1 mutations; COMMON Syndrome; BAP1 tumor predisposition syndrome; TUMOR PREDISPOSITION SYNDROME 1. Identifiers: Orphanet 289539, MedGen C3280492, MONDO:0013692, OMIM 614327.
Hereditary cancer-predisposing syndrome. Also called: Neoplastic Syndromes, Hereditary; Tumor predisposition; Hereditary Cancer Syndrome; Hereditary neoplastic syndrome. Identifiers: Orphanet 140162, MedGen C0027672, MeSH D009386, MONDO:0015356.

gnomAD v4.1: 2 of 1,614,116 alleles (0.00012%); highest among the groups gnomAD compares: Admixed American, 0.0017%; no homozygotes.

Submissions (2):

Ambry Genetics
Classification: Likely benign for Hereditary cancer-predisposing syndrome. Last evaluated: 2025-05-17. Review status: criteria provided, single submitter. Criteria: Ambry Variant Classification Scheme 2023. Collection method: clinical testing. Allele origin: germline.

Myriad Genetics, Inc.
Classification: Benign for BAP1-related tumor predisposition syndrome. Last evaluated: 2024-07-17. Review status: criteria provided, single submitter. Criteria: Myriad Autosomal Dominant, Autosomal Recessive and X-Linked Classification Criteria (2023). Collection method: clinical testing. Allele origin: unknown.
Comment: This variant is considered benign. This variant is a silent/synonymous amino acid change and it is not expected to impact splicing.